The following is an entry in ClinVar:

ClinVar aggregate classification (germline): Conflicting classifications of pathogenicity. Review status: criteria provided, conflicting classifications (1 of 4 stars). 3 submissions from 3 submitters: Pathogenic (1); Likely pathogenic (1); Uncertain significance (1). Last evaluated 2026-03-05.

Conditions:
Autosomal dominant COL11A1-related disorders.

Submissions (3):

GeneDx
Classification: Pathogenic. Last evaluated: 2026-03-05. Review status: criteria provided, single submitter. Criteria: GeneDx Variant Classification Process June 2021. Collection method: clinical testing. Allele origin: germline.
Comment: Intronic +5 splice site variant in a gene for which loss of function is a known mechanism of disease, and both splice predictors and evolutionary conservation support a deleterious effect, although in the absence of functional evidence the actual effect of this sequence change is unknown; Not observed at significant frequency in large population cohorts (gnomAD); This variant is associated with the following publications: (PMID: 34429528)

Variantyx, Inc.
Classification: Likely pathogenic for Autosomal dominant COL11A1-related disorders. Last evaluated: 2025-07-18. Review status: criteria provided, single submitter. Criteria: Variantyx Assertion Criteria 2022. Collection method: clinical testing. Allele origin: germline. Inheritance: Autosomal dominant inheritance. Affected: yes.
Comment: This is an intronic variant in the COL11A1 gene (OMIM: 120280). Pathogenic variants in this gene have been associated with autosomal dominant COL11A1-related disorders. Algorithms that predict the potential impact of sequence variants on RNA splicing suggest that this variant may disrupt normal splicing (PP3). This variant is absent from control populations (PM2). Based on the current evidence, this variant is classified as likely pathogenic for autosomal dominant COL11A1-related disorders.

Labcorp Genetics (formerly Invitae), Labcorp
Classification: Uncertain significance. Last evaluated: 2022-11-15. Review status: criteria provided, single submitter. Criteria: Invitae Variant Classification Sherloc (09022015). Collection method: clinical testing. Allele origin: germline.
Comment: ClinVar contains an entry for this variant (Variation ID: 1022115). Variants that disrupt the consensus splice site are a relatively common cause of aberrant splicing (PMID: 17576681, 9536098). Algorithms developed to predict the effect of sequence changes on RNA splicing suggest that this variant may disrupt the consensus splice site. In summary, the available evidence is currently insufficient to determine the role of this variant in disease. Therefore, it has been classified as a Variant of Uncertain Significance. This sequence change falls in intron 37 of the COL11A1 gene. It does not directly change the encoded amino acid sequence of the COL11A1 protein. It affects a nucleotide within the consensus splice site. This variant is not present in population databases (gnomAD no frequency). This variant has not been reported in the literature in individuals affected with COL11A1-related conditions.

Literature cited by the submitters: PubMed 34429528 (cited by Variantyx, Inc.); PubMed 17576681 (cited by Labcorp Genetics (formerly Invitae), Labcorp); PubMed 9536098 (cited by Labcorp Genetics (formerly Invitae), Labcorp).

NM_001854.4(COL11A1):c.2862+5G>A

Gene: COL11A1 (collagen type XI alpha 1 chain; minus strand). Cytogenetic location: 1p21.1.
Variant type: single nucleotide variant.
Coding change: c.2862+5G>A on transcript NM_001854.4 (MANE Select); 5 bases into the intron after coding-DNA position 2862, G replaced by A.
Molecular consequence: intron variant.
Genome position (GRCh38, 1-based): chr1:102,970,214, C>T on the plus strand (G>A on the coding strand, the complement: COL11A1 is on the minus strand). VCF-style: chr1-102970214-C-T. GRCh37 (hg19) VCF-style: chr1-103435770-C-T.
Other names: c.2745+5G>A (NM_001190709.2); c.2898+5G>A (NM_080629.3); c.2514+5G>A (NM_080630.4).
Identifiers: ClinVar variation 1022115 (VCV001022115.9), dbSNP rs1661827915, ClinGen allele CA1185268116.
Genomic context (GRCh38, chr1:102,970,214, plus strand): 5'-TCTATGTATGAACTGATGAGGTGCTAGAGATGGAAATTTTTAATAAGAGTAACAAGGTCA[C>T]TTACAGTCTCCCCACGTTGCCCAGGGTGTCCTGGCAGCCCATCCTTCCCAGGTGGTCCCT-3'